The following is an entry in ClinVar:

ClinVar aggregate classification (germline): Likely benign. Review status: criteria provided, multiple submitters, no conflicts (2 of 4 stars). 2 submissions from 2 submitters: Likely benign (2). Last evaluated 2024-09-08.

Conditions:
Hereditary cancer-predisposing syndrome. Also called: Neoplastic Syndromes, Hereditary; Tumor predisposition; Hereditary neoplastic syndrome; Hereditary Cancer Syndrome. Identifiers: Orphanet 140162, MedGen C0027672, MeSH D009386, MONDO:0015356.
Multiple endocrine neoplasia, type 2 (MEN2). Identifiers: Orphanet 653, MedGen C4048306, MONDO:0019003. Disease mechanism: gain of function.

Submissions (2):

Ambry Genetics
Classification: Likely benign for Hereditary cancer-predisposing syndrome. Last evaluated: 2024-09-08. Review status: criteria provided, single submitter. Criteria: Ambry Variant Classification Scheme 2023. Collection method: clinical testing. Allele origin: germline.

All of Us Research Program, National Institutes of Health
Classification: Likely benign for Multiple endocrine neoplasia, type 2. Last evaluated: 2023-11-20. Review status: criteria provided, single submitter. Criteria: ACMG Guidelines, 2015. Collection method: clinical testing. Allele origin: germline. Inheritance: Autosomal dominant inheritance. Observed: 1 variant allele, 1 heterozygote.
Comment: This study involves interpretation of variants in research participants for the purpose of population health screening. Participant phenotype was not available at the time of variant classification. Additional details can be found in publication PMID: 35346344, PMCID: PMC8962531

NM_020975.6(RET):c.1197G>C (p.Pro399=)

Gene: RET (ret proto-oncogene; plus strand). Cytogenetic location: 10q11.21.
Variant type: single nucleotide variant.
Coding change: c.1197G>C on transcript NM_020975.6 (MANE Select); coding-DNA position 1197, G replaced by C.
Protein change: p.Pro399=; no amino-acid change (proline 399 retained).
Molecular consequence: synonymous variant. On other transcripts: intron variant (18).
Genome position (GRCh38, 1-based): chr10:43,109,164, G>C. VCF-style: chr10-43109164-G-C. GRCh37 (hg19) VCF-style: chr10-43604612-G-C.
Other names: c.1197G>C, p.Pro399= (NM_000323.2, NM_001406743.1, NM_001406744.1 and 6 more transcripts); c.435G>C, p.Pro145= (NM_001355216.2); c.1068G>C, p.Pro356= (NM_001406761.1, NM_001406762.1, NM_001406764.1 and 1 more transcripts); c.909G>C, p.Pro303= (NM_001406766.1, NM_001406767.1, NM_001406770.1); c.759G>C, p.Pro253= (NM_001406771.1, NM_001406773.1); c.471G>C, p.Pro157= (NM_001406775.1, NM_001406776.1, NM_001406777.1 and 1 more transcripts); c.207G>C, p.Pro69= (NM_001406784.1); c.868-2043G>C (NM_001406772.1, NM_001406769.1); and 5 more.
Identifiers: ClinVar variation 3074499 (VCV003074499.2), dbSNP rs148371113, ClinGen allele CA469026323.